The following is an entry in ClinVar:

ClinVar aggregate classification (germline): Uncertain significance. Review status: criteria provided, multiple submitters, no conflicts (2 of 4 stars). 2 submissions from 2 submitters: Uncertain significance (2). Last evaluated 2025-06-06.

Conditions:
Inborn genetic diseases. Identifiers: MedGen C0950123, MeSH D030342.

Allele frequency attached by ClinVar (database versions not stated): gnomAD exomes 0.00004; gnomAD 0.00005; TOPMed 0.00008; ExAC 0.00010; ESP Exome Variant Server 0.00031.
gnomAD v4.1: 57 of 1,565,630 alleles (0.0036%); highest among the groups gnomAD compares: East Asian, 0.016%; no homozygotes.

Submissions (2):

Ambry Genetics
Classification: Uncertain significance for Inborn genetic diseases. Last evaluated: 2025-06-06. Review status: criteria provided, single submitter. Criteria: Ambry Variant Classification Scheme 2023. Collection method: clinical testing. Allele origin: germline.

Labcorp Genetics (formerly Invitae), Labcorp
Classification: Uncertain significance. Last evaluated: 2025-05-09. Review status: criteria provided, single submitter. Criteria: Invitae Variant Classification Sherloc (09022015). Collection method: clinical testing. Allele origin: germline.
Comment: This sequence change replaces arginine, which is basic and polar, with histidine, which is basic and polar, at codon 303 of the ALPK1 protein (p.Arg303His). This variant is present in population databases (rs142200712, gnomAD 0.03%). This variant has not been reported in the literature in individuals affected with ALPK1-related conditions. ClinVar contains an entry for this variant (Variation ID: 2175669). Invitae Evidence Modeling of protein sequence and biophysical properties (such as structural, functional, and spatial information, amino acid conservation, physicochemical variation, residue mobility, and thermodynamic stability) indicates that this missense variant is expected to disrupt ALPK1 protein function with a positive predictive value of 80%. In summary, the available evidence is currently insufficient to determine the role of this variant in disease. Therefore, it has been classified as a Variant of Uncertain Significance.

NM_025144.4(ALPK1):c.908G>A (p.Arg303His)

Gene: ALPK1 (alpha kinase 1; plus strand). Cytogenetic location: 4q25.
Variant type: single nucleotide variant.
Coding change: c.908G>A on transcript NM_025144.4 (MANE Select); coding-DNA position 908, G replaced by A.
Protein change: p.Arg303His; replaces arginine 303 with histidine.
Molecular consequence: missense variant.
Genome position (GRCh38, 1-based): chr4:112,430,455, G>A. VCF-style: chr4-112430455-G-A. GRCh37 (hg19) VCF-style: chr4-113351611-G-A.
Other names: c.908G>A (NM_025144.3); c.908G>A, p.Arg303His (NM_001102406.2); c.674G>A, p.Arg225His (NM_001253884.2); short protein forms R225H, R303H.
Identifiers: ClinVar variation 2175669 (VCV002175669.7), dbSNP rs142200712, ClinGen allele CA3046623.